The following is an entry in ClinVar:

NM_014804.3(KIAA0753):c.1301A>G (p.Lys434Arg)

Gene: KIAA0753 (KIAA0753; minus strand). Cytogenetic location: 17p13.1.
Variant type: single nucleotide variant.
Coding change: c.1301A>G on transcript NM_014804.3 (MANE Select); coding-DNA position 1301, A replaced by G.
Protein change: p.Lys434Arg; replaces lysine 434 with arginine.
Molecular consequence: missense variant. On other transcripts: non-coding transcript variant (3).
Genome position (GRCh38, 1-based): chr17:6,620,802, T>C on the plus strand (A>G on the coding strand, the complement: KIAA0753 is on the minus strand). VCF-style: chr17-6620802-T-C. GRCh37 (hg19) VCF-style: chr17-6524122-T-C.
Other names: c.404A>G, p.Lys135Arg (NM_001351225.2); short protein forms K135R, K434R.
Identifiers: ClinVar variation 2058811 (VCV002058811.4), dbSNP rs2544476296, ClinGen allele CA397412255.

ClinVar aggregate classification (germline): Uncertain significance (1 of 4 stars; one submission).

Submission:

Labcorp Genetics (formerly Invitae), Labcorp
Classification: Uncertain significance. Last evaluated: 2022-08-09. Review status: criteria provided, single submitter. Criteria: Invitae Variant Classification Sherloc (09022015). Collection method: clinical testing. Allele origin: germline.
Comment: In summary, the available evidence is currently insufficient to determine the role of this variant in disease. Therefore, it has been classified as a Variant of Uncertain Significance. Algorithms developed to predict the effect of missense changes on protein structure and function output the following: SIFT: "Tolerated"; PolyPhen-2: "Benign"; Align-GVGD: "Class C0". The arginine amino acid residue is found in multiple mammalian species, which suggests that this missense change does not adversely affect protein function. This variant has not been reported in the literature in individuals affected with KIAA0753-related conditions. This variant is not present in population databases (gnomAD no frequency). This sequence change replaces lysine, which is basic and polar, with arginine, which is basic and polar, at codon 434 of the KIAA0753 protein (p.Lys434Arg).